The following is an entry in ClinVar:

ClinVar aggregate classification (germline): Uncertain significance (1 of 4 stars; one submission).

Submission:

Labcorp Genetics (formerly Invitae), Labcorp
Classification: Uncertain significance. Last evaluated: 2024-11-05. Review status: criteria provided, single submitter. Criteria: Invitae Variant Classification Sherloc (09022015). Collection method: clinical testing. Allele origin: germline.
Comment: This sequence change replaces valine, which is neutral and non-polar, with leucine, which is neutral and non-polar, at codon 349 of the DPYS protein (p.Val349Leu). This variant is not present in population databases (gnomAD no frequency). This variant has not been reported in the literature in individuals affected with DPYS-related conditions. ClinVar contains an entry for this variant (Variation ID: 2011871). Invitae Evidence Modeling of protein sequence and biophysical properties (such as structural, functional, and spatial information, amino acid conservation, physicochemical variation, residue mobility, and thermodynamic stability) indicates that this missense variant is not expected to disrupt DPYS protein function with a negative predictive value of 80%. In summary, the available evidence is currently insufficient to determine the role of this variant in disease. Therefore, it has been classified as a Variant of Uncertain Significance.

NM_001385.3(DPYS):c.1045G>T (p.Val349Leu)

Gene: DPYS (dihydropyrimidinase; minus strand). Cytogenetic location: 8q22.3.
Variant type: single nucleotide variant.
Coding change: c.1045G>T on transcript NM_001385.3 (MANE Select); coding-DNA position 1045, G replaced by T.
Protein change: p.Val349Leu; replaces valine 349 with leucine.
Molecular consequence: missense variant.
Genome position (GRCh38, 1-based): chr8:104,428,027, C>A on the plus strand (G>T on the coding strand, the complement: DPYS is on the minus strand). VCF-style: chr8-104428027-C-A. GRCh37 (hg19) VCF-style: chr8-105440255-C-A.
Other names: short protein forms V349L.
Identifiers: ClinVar variation 2011871 (VCV002011871.4), dbSNP rs2537770233, ClinGen allele CA371940257.